The following is an entry in ClinVar:

NM_002948.5(RPL15):c.274C>A (p.Leu92Ile)

Genes: NKIRAS1 (NFKB inhibitor interacting Ras like 1; minus strand), RPL15 (ribosomal protein L15; plus strand). Cytogenetic location: 3p24.2.
Variant type: single nucleotide variant.
Coding change: c.274C>A on transcript NM_002948.5 (MANE Select); coding-DNA position 274, C replaced by A.
Protein change: p.Leu92Ile; replaces leucine 92 with isoleucine.
Molecular consequence: missense variant. On other transcripts: intron variant (1).
Genome position (GRCh38, 1-based): chr3:23,918,541, C>A. VCF-style: chr3-23918541-C-A. GRCh37 (hg19) VCF-style: chr3-23960032-C-A.
Other names: c.274C>A, p.Leu92Ile (NM_001253379.2, NM_001253380.2, NM_001253382.2 and 2 more transcripts); c.-139-7091G>T (NM_001377380.1); short protein forms L92I.
Identifiers: ClinVar variation 1045908 (VCV001045908.28), dbSNP rs146413350, ClinGen allele CA2286481.

ClinVar aggregate classification (germline): Uncertain significance. Review status: criteria provided, multiple submitters, no conflicts (2 of 4 stars). 3 submissions from 3 submitters: Uncertain significance (2). 1 of the submissions does not count toward it. Last evaluated 2025-10-07.

Conditions:
RPL15-related disorder. Also called: RPL15-related condition.

Allele frequency attached by ClinVar (database versions not stated): gnomAD 0.00003 and 0.00002; ESP Exome Variant Server 0.00008; ExAC 0.00011; TOPMed 0.00012; gnomAD exomes 0.00009.
gnomAD v4.1: 67 of 1,613,822 alleles (0.0042%); highest among the groups gnomAD compares: Admixed American, 0.022%; no homozygotes.

Submissions (3):

Labcorp Genetics (formerly Invitae), Labcorp
Classification: Uncertain significance. Last evaluated: 2025-10-07. Review status: criteria provided, single submitter. Criteria: Invitae Variant Classification Sherloc (09022015). Collection method: clinical testing. Allele origin: germline.
Comment: This sequence change replaces leucine, which is neutral and non-polar, with isoleucine, which is neutral and non-polar, at codon 92 of the RPL15 protein (p.Leu92Ile). This variant is present in population databases (rs146413350, gnomAD 0.06%), and has an allele count higher than expected for a pathogenic variant. This variant has not been reported in the literature in individuals affected with RPL15-related conditions. ClinVar contains an entry for this variant (Variation ID: 1045908). An algorithm developed to predict the effect of missense changes on protein structure and function (PolyPhen-2) suggests that this variant is likely to be tolerated. In summary, the available evidence is currently insufficient to determine the role of this variant in disease. Therefore, it has been classified as a Variant of Uncertain Significance.

CeGaT Center for Human Genetics Tuebingen
Classification: Uncertain significance. Last evaluated: 2023-09-01. Review status: criteria provided, single submitter. Criteria: CeGaT Center For Human Genetics Tuebingen Variant Classification Criteria Version 2. Collection method: clinical testing. Allele origin: germline. Affected: yes. Observed: 1 variant allele.
Comment: RPL15: PP2

PreventionGenetics, part of Exact Sciences
Classification: Uncertain significance for RPL15-related condition. Last evaluated: 2024-09-05. Review status: no assertion criteria provided. Collection method: clinical testing. Allele origin: germline. Not counted in ClinVar's aggregate classification.
Comment: The RPL15 c.274C>A variant is predicted to result in the amino acid substitution p.Leu92Ile. To our knowledge, this variant has not been reported in the literature. This variant is reported in 0.058% of alleles in individuals of Ashkenazi Jewish descent in gnomAD, which may be too common to be causative. Although we suspect that this variant may be benign, at this time, the clinical significance of this variant is uncertain due to the absence of conclusive functional and genetic evidence.